The following is an entry in ClinVar:

ClinVar aggregate classification (germline): Uncertain significance. Review status: criteria provided, multiple submitters, no conflicts (2 of 4 stars). 2 submissions from 2 submitters: Uncertain significance (2). Last evaluated 2025-07-13.

Conditions:
Arrhythmogenic right ventricular dysplasia 8 (ARVD8). Also called: ARRHYTHMOGENIC RIGHT VENTRICULAR DYSPLASIA, FAMILIAL, 8; ARRHYTHMOGENIC RIGHT VENTRICULAR CARDIOMYOPATHY 8; Arrhythmogenic Right Ventricular Dysplasia/Cardiomyopathy 8. Identifiers: MedGen C1843896, MONDO:0011831, OMIM 607450.
Arrhythmogenic cardiomyopathy with wooly hair and keratoderma. Also called: Arrhythmogenic cardiomyopathy with woolly hair and keratoderma; PALMOPLANTAR KERATODERMA WITH LEFT VENTRICULAR CARDIOMYOPATHY AND WOOLLY HAIR; Carvajal syndrome; Dilated cardiomyopathy with woolly hair and keratoderma. Identifiers: Orphanet 65282, MedGen C1854063, MONDO:0011581, OMIM 605676.
Cardiomyopathy (CMYO). Also called: Cardiomyopathies. Identifiers: Orphanet 167848, MedGen C0878544, MONDO:0004994, HP:0001638. Inheritance: Various modes of inheritance.

gnomAD v4.1: 1 of 1,614,120 alleles (0.000062%); highest among the groups gnomAD compares: Non-Finnish European, 0.000085%; no homozygotes.

Submissions (2):

Labcorp Genetics (formerly Invitae), Labcorp
Classification: Uncertain significance for Arrhythmogenic cardiomyopathy with wooly hair and keratoderma; Arrhythmogenic right ventricular dysplasia 8. Last evaluated: 2025-07-13. Review status: criteria provided, single submitter. Criteria: Invitae Variant Classification Sherloc (09022015). Collection method: clinical testing. Allele origin: germline.
Comment: This sequence change replaces glutamic acid, which is acidic and polar, with aspartic acid, which is acidic and polar, at codon 1900 of the DSP protein (p.Glu1900Asp). This variant is not present in population databases (gnomAD no frequency). This variant has not been reported in the literature in individuals affected with DSP-related conditions. ClinVar contains an entry for this variant (Variation ID: 3894035). An algorithm developed to predict the effect of missense changes on protein structure and function (PolyPhen-2) suggests that this variant is likely to be disruptive. In summary, the available evidence is currently insufficient to determine the role of this variant in disease. Therefore, it has been classified as a Variant of Uncertain Significance.

Color Diagnostics, LLC DBA Color Health
Classification: Uncertain significance for Cardiomyopathy. Last evaluated: 2024-07-15. Review status: criteria provided, single submitter. Criteria: ACMG Guidelines, 2015. Collection method: clinical testing. Allele origin: germline.
Comment: This missense variant replaces glutamic acid with aspartic acid at codon 1900 of the DSP protein. Computational prediction suggests that this variant may not impact protein structure and function (internally defined REVEL score threshold <= 0.5, PMID: 27666373). To our knowledge, functional studies have not been reported for this variant. This variant has not been reported in individuals affected with DSP-related disorders in the literature. This variant has not been identified in the general population by the Genome Aggregation Database (gnomAD). The available evidence is insufficient to determine the role of this variant in disease conclusively. Therefore, this variant is classified as a Variant of Uncertain Significance.

NM_004415.4(DSP):c.5700A>C (p.Glu1900Asp)

Gene: DSP (desmoplakin; plus strand). Cytogenetic location: 6p24.3.
Variant type: single nucleotide variant.
Coding change: c.5700A>C on transcript NM_004415.4 (MANE Select); coding-DNA position 5700, A replaced by C.
Protein change: p.Glu1900Asp; replaces glutamic acid 1900 with aspartic acid.
Molecular consequence: missense variant.
Genome position (GRCh38, 1-based): chr6:7,582,962, A>C. VCF-style: chr6-7582962-A-C. GRCh37 (hg19) VCF-style: chr6-7583195-A-C.
Other names: c.3903A>C, p.Glu1301Asp (NM_001008844.3); c.4371A>C, p.Glu1457Asp (NM_001319034.2); short protein forms E1301D, E1457D, E1900D.
Identifiers: ClinVar variation 3894035 (VCV003894035.2).